The following is an entry in ClinVar:

NM_005591.4(MRE11):c.1789A>G (p.Thr597Ala)

Gene: MRE11 (MRE11 double strand break repair nuclease; minus strand). Cytogenetic location: 11q21.
Variant type: single nucleotide variant.
Coding change: c.1789A>G on transcript NM_005591.4 (MANE Select); coding-DNA position 1789, A replaced by G.
Protein change: p.Thr597Ala; replaces threonine 597 with alanine.
Molecular consequence: missense variant. On other transcripts: intron variant (1).
Genome position (GRCh38, 1-based): chr11:94,445,888, T>C on the plus strand (A>G on the coding strand, the complement: MRE11 is on the minus strand). VCF-style: chr11-94445888-T-C. GRCh37 (hg19) VCF-style: chr11-94179054-T-C.
Other names: c.1786A>G, p.Thr596Ala (NM_001330347.2); c.1783+1331A>G (NM_005590.4); short protein forms T596A, T597A.
Identifiers: ClinVar variation 1043490 (VCV001043490.8), dbSNP rs1945915086, ClinGen allele CA382366914.
Genomic context (GRCh38, chr11:94,445,888, plus strand): 5'-TTCTAGATGCTGACACAGCAGTCTTTGAGTTCCTGCTACGGGTAGAAGTCTCCAGACCAG[T>C]GTCTGCTGTTAGAAAAATGAACAGTCAATGTACAAGCCTATCAGCAGCTAAGGTTTATTT-3'
Protein context (NP_005582.1, residues 587-607): RGGSQRGRAD[Thr597Ala]GLETSTRSRN

ClinVar aggregate classification (germline): Uncertain significance (1 of 4 stars; one submission).

Conditions:
Ataxia-telangiectasia-like disorder (ATLD). Identifiers: MedGen C1858391, MONDO:0011457.

Allele frequency attached by ClinVar (database versions not stated): gnomAD exomes below 0.00001.
gnomAD v4.1: 1 of 1,612,936 alleles (0.000062%); highest among the groups gnomAD compares: East Asian, 0.0022%; no homozygotes.

Submission:

Labcorp Genetics (formerly Invitae), Labcorp
Classification: Uncertain significance for Ataxia-telangiectasia-like disorder. Last evaluated: 2023-10-13. Review status: criteria provided, single submitter. Criteria: Invitae Variant Classification Sherloc (09022015). Collection method: clinical testing. Allele origin: germline.
Comment: This sequence change replaces threonine, which is neutral and polar, with alanine, which is neutral and non-polar, at codon 597 of the MRE11 protein (p.Thr597Ala). This variant is not present in population databases (gnomAD no frequency). This variant has not been reported in the literature in individuals affected with MRE11-related conditions. ClinVar contains an entry for this variant (Variation ID: 1043490). Algorithms developed to predict the effect of missense changes on protein structure and function output the following: SIFT: "Not Available"; PolyPhen-2: "Benign"; Align-GVGD: "Not Available". The alanine amino acid residue is found in multiple mammalian species, which suggests that this missense change does not adversely affect protein function. In summary, the available evidence is currently insufficient to determine the role of this variant in disease. Therefore, it has been classified as a Variant of Uncertain Significance.